The following is an entry in ClinVar:

NM_000238.4(KCNH2):c.298C>T (p.Arg100Trp)

Gene: KCNH2 (potassium voltage-gated channel subfamily H member 2; minus strand). Cytogenetic location: 7q36.1.
Variant type: single nucleotide variant.
Coding change: c.298C>T on transcript NM_000238.4 (MANE Select); coding-DNA position 298, C replaced by T.
Protein change: p.Arg100Trp; replaces arginine 100 with tryptophan.
Molecular consequence: missense variant.
Genome position (GRCh38, 1-based): chr7:150,974,720, G>A on the plus strand (C>T on the coding strand, the complement: KCNH2 is on the minus strand). VCF-style: chr7-150974720-G-A. GRCh37 (hg19) VCF-style: chr7-150671808-G-A.
Other names: c.298C>T (LRG_288t1); c.121C>T, p.Arg41Trp (NM_001406755.1); c.298C>T, p.Arg100Trp (NM_172056.3); short protein forms R100W, R41W.
Identifiers: ClinVar variation 67459 (VCV000067459.12), dbSNP rs121912515, ClinGen allele CA007747.

ClinVar aggregate classification (germline): Conflicting classifications of pathogenicity. Review status: criteria provided, conflicting classifications (1 of 4 stars). 5 submissions from 5 submitters: Likely pathogenic (1); Uncertain significance (3). 1 of the submissions does not count toward it. Last evaluated 2025-11-05.

Conditions:
Cardiovascular phenotype. Identifiers: MedGen CN230736.
Cardiac arrhythmia. Also called: Arrhythmia; Cardiac rhythm disease. Identifiers: MedGen C0003811, MONDO:0007263, HP:0011675.
Familial long QT syndrome (RWS). Also called: Congenital long QT syndrome; Romano-Ward syndrome; VENTRICULAR FIBRILLATION WITH PROLONGED QT INTERVAL. Identifiers: Orphanet 768, MedGen C1141890, MONDO:0019171.
Long QT syndrome (LQTS). Identifiers: MedGen C0023976, MeSH D008133, MONDO:0002442. Disease mechanism: loss of function. Inheritance: Various modes of inheritance.

Submissions (5):

Labcorp Genetics (formerly Invitae), Labcorp
Classification: Uncertain significance for Long QT syndrome. Last evaluated: 2025-11-05. Review status: criteria provided, single submitter. Criteria: Invitae Variant Classification Sherloc (09022015). Collection method: clinical testing. Allele origin: germline.
Comment: This sequence change replaces arginine, which is basic and polar, with tryptophan, which is neutral and slightly polar, at codon 100 of the KCNH2 protein (p.Arg100Trp). This variant is not present in population databases (gnomAD no frequency). This missense change has been observed in individual(s) with clinical features of long QT syndrome (PMID: 19716085, 24217263, 36861347; internal data). ClinVar contains an entry for this variant (Variation ID: 67459). An algorithm developed to predict the effect of missense changes on protein structure and function (PolyPhen-2) suggests that this variant is likely to be disruptive. Experimental studies have shown that this missense change affects KCNH2 function (PMID: 25417810, 32475984, 35688148). This variant disrupts the p.Arg100 amino acid residue in KCNH2. Other variant(s) that disrupt this residue have been observed in individuals with KCNH2-related conditions (PMID: 16922724), which suggests that this may be a clinically significant amino acid residue. In summary, the available evidence is currently insufficient to determine the role of this variant in disease. Therefore, it has been classified as a Variant of Uncertain Significance.

Color Diagnostics, LLC DBA Color Health
Classification: Uncertain significance for Cardiac arrhythmia. Last evaluated: 2025-07-09. Review status: criteria provided, single submitter. Criteria: ACMG Guidelines, 2015. Collection method: clinical testing. Allele origin: germline.
Comment: This missense variant replaces arginine with tryptophan at codon 100 of the KCNH2 protein. This variant is located within the conserved PAC domain (aa 92-144) of the KCNH2 protein. Rare non-truncating variants in this region have been shown to be significantly overrepresented in individuals with long QT syndrome (PMID: 32893267). Computational prediction suggests that this variant may have a deleterious impact on protein structure and function. In vitro functional studies have shown that this variant causes abnormal trafficking of KCNH2 protein in transfected cells (PMID: 25417810, 35688148). This variant has been reported in individuals affected with long QT syndrome (PMID: 19716085DOI:10.14288/1.0406222) and in an individual affected with arrhythmia (PMID: 36861347). This variant has not been identified in the general population by the Genome Aggregation Database (gnomAD). The available evidence is insufficient to determine the role of this variant in disease conclusively. Therefore, this variant is classified as a Variant of Uncertain Significance.

All of Us Research Program, National Institutes of Health
Classification: Uncertain significance for Long QT syndrome. Last evaluated: 2023-06-26. Review status: criteria provided, single submitter. Criteria: ACMG Guidelines, 2015. Collection method: clinical testing. Allele origin: germline. Inheritance: Autosomal dominant inheritance. Observed: 2 variant alleles, 2 heterozygotes.
Comment: This missense variant replaces arginine with tryptophan at codon 100 of the KCNH2 protein. Computational prediction suggests that this variant may have deleterious impact on protein structure and function (internally defined REVEL score threshold >= 0.7, PMID: 27666373). To our knowledge, functional studies have not been reported for this variant. This variant has been reported in at least one individual affected with long QT syndrome (doi:10.14288/1.0406222) and in 2 individuals with suspected long QT syndrome (PMID: 19716085). This variant has not been identified in the general population by the Genome Aggregation Database (gnomAD). The available evidence is insufficient to determine the role of this variant in disease conclusively. Therefore, this variant is classified as a Variant of Uncertain Significance.

This study involves interpretation of variants in research participants for the purpose of population health screening. Participant phenotype was not available at the time of variant classification. Additional details can be found in publication PMID: 35346344, PMCID: PMC8962531

Ambry Genetics
Classification: Likely pathogenic for Cardiovascular phenotype. Last evaluated: 2021-01-13. Review status: criteria provided, single submitter. Criteria: Ambry Variant Classification Scheme 2023. Collection method: clinical testing. Allele origin: germline.
Comment: The p.R100W variant (also known as c.298C>T), located in coding exon 2 of the KCNH2 gene, results from a C to T substitution at nucleotide position 298. The arginine at codon 100 is replaced by tryptophan, an amino acid with dissimilar properties, and is located in the PAC protein domain. Immunoblot data along with computational structural models suggest that this variant is a protein trafficking deficient alteration (Anderson CL et al. Nat Commun, 2014 Nov;5:5535). In a study of long QT syndrome clinical genetic testing, this alteration was reported in two patients; however, clinical details were limited (Kapplinger JD et al. Heart Rhythm, 2009 Sep;6:1297-303). Based on internal structural analysis, this variant is predicted to be structurally destabilizing. This variant was not reported in population-based cohorts in the Genome Aggregation Database (gnomAD). This amino acid position is well conserved in available vertebrate species. In addition, this alteration is predicted to be deleterious by in silico analysis. Based on the majority of available evidence to date, this variant is likely to be pathogenic.

Cardiovascular Biomedical Research Unit, Royal Brompton & Harefield NHS Foundation Trust
No classification provided. Condition: Familial long QT syndrome. Review status: no classification provided. Collection method: literature only. Allele origin: germline. Not counted in ClinVar's aggregate classification.
Comment: This variant has been reported as associated with Long QT syndrome in the following publications (PMID:19716085). This is a literature report, and does not necessarily reflect the clinical interpretation of the Imperial College / Royal Brompton Cardiovascular Genetics laboratory.

Literature cited by the submitters: PubMed 19716085 (cited by 5 submitters); PubMed 24217263 (cited by Labcorp Genetics (formerly Invitae), Labcorp); PubMed 36861347 (cited by Labcorp Genetics (formerly Invitae), Labcorp and Color Diagnostics, LLC DBA Color Health); PubMed 25417810 (cited by 3 submitters); PubMed 32475984 (cited by Labcorp Genetics (formerly Invitae), Labcorp); PubMed 35688148 (cited by Labcorp Genetics (formerly Invitae), Labcorp and Color Diagnostics, LLC DBA Color Health); PubMed 16922724 (cited by Labcorp Genetics (formerly Invitae), Labcorp); PubMed 32893267 (cited by Color Diagnostics, LLC DBA Color Health); PubMed 22581653 (cited by Cardiovascular Biomedical Research Unit, Royal Brompton & Harefield NHS Foundation Trust).